The following is an entry in ClinVar:

ClinVar aggregate classification (germline): Uncertain significance (1 of 4 stars; one submission).

Conditions:
Methylmalonic aciduria, cblB type (MACB). Also called: Methylmalonic acidemia cblB type; METHYLMALONIC ACIDURIA, VITAMIN B12-RESPONSIVE, DUE TO DEFECT IN SYNTHESIS OF ADENOSYLCOBALAMIN, cblB TYPE; Vitamin B12-responsive methylmalonic acidemia type cblB. Identifiers: Orphanet 28, Orphanet 79311, MedGen C1855102, MONDO:0009614, OMIM 251110.

Allele frequency attached by ClinVar (database versions not stated): ExAC 0.00002; gnomAD 0.00002; TOPMed 0.00005.

Submission:

Labcorp Genetics (formerly Invitae), Labcorp
Classification: Uncertain significance for Methylmalonic aciduria, cblB type. Last evaluated: 2021-06-07. Review status: criteria provided, single submitter. Criteria: Invitae Variant Classification Sherloc (09022015). Collection method: clinical testing. Allele origin: germline.
Comment: This sequence change replaces aspartic acid with asparagine at codon 206 of the MMAB protein (p.Asp206Asn). The aspartic acid residue is highly conserved and there is a small physicochemical difference between aspartic acid and asparagine. This variant is present in population databases (rs749182356, ExAC 0.005%). This variant has not been reported in the literature in individuals with MMAB-related conditions. Algorithms developed to predict the effect of missense changes on protein structure and function are either unavailable or do not agree on the potential impact of this missense change (SIFT: "Deleterious"; PolyPhen-2: "Possibly Damaging"; Align-GVGD: "Class C0"). In summary, the available evidence is currently insufficient to determine the role of this variant in disease. Therefore, it has been classified as a Variant of Uncertain Significance.

NM_052845.4(MMAB):c.616G>A (p.Asp206Asn)

Gene: MMAB (metabolism of cobalamin associated B; minus strand). Cytogenetic location: 12q24.11.
Variant type: single nucleotide variant.
Coding change: c.616G>A on transcript NM_052845.4 (MANE Select); coding-DNA position 616, G replaced by A.
Protein change: p.Asp206Asn; replaces aspartic acid 206 with asparagine.
Molecular consequence: missense variant. On other transcripts: non-coding transcript variant (1).
Genome position (GRCh38, 1-based): chr12:109,559,124, C>T on the plus strand (G>A on the coding strand, the complement: MMAB is on the minus strand). VCF-style: chr12-109559124-C-T. GRCh37 (hg19) VCF-style: chr12-109996929-C-T.
Other names: short protein forms D206N.
Identifiers: ClinVar variation 2197323 (VCV002197323.1), dbSNP rs749182356, ClinGen allele CA6778792.
Genomic context (GRCh38, chr12:109,559,124, plus strand): 5'-CAGAGAGGAACCCCCAGGTTCCACGCGAGTACCTGTTTAAGAACTTGGCCACGTTCGCAT[C>T]GGTCTCTCCCATCTGGACAAGAGGCACCACACTAGAAAGGGAGGAGACACTGAGTCACGT-3'
Protein context (NP_443077.1, residues 196-216): VVPLVQMGET[Asp206Asn]ANVAKFLNRL